The following is an entry in ClinVar:

NM_000548.5(TSC2):c.4530T>C (p.Phe1510=)

Gene: TSC2 (TSC complex subunit 2; plus strand). Cytogenetic location: 16p13.3.
Variant type: single nucleotide variant.
Coding change: c.4530T>C on transcript NM_000548.5 (MANE Select); coding-DNA position 4530, T replaced by C.
Protein change: p.Phe1510=; no amino-acid change (phenylalanine 1510 retained).
Molecular consequence: synonymous variant. On other transcripts: non-coding transcript variant (5).
Genome position (GRCh38, 1-based): chr16:2,084,987, T>C. VCF-style: chr16-2084987-T-C. GRCh37 (hg19) VCF-style: chr16-2134988-T-C.
Other names: c.4329T>C, p.Phe1443= (NM_001077183.3); c.4461T>C, p.Phe1487= (NM_001114382.3); c.4221T>C, p.Phe1407= (NM_001318827.2); c.4185T>C, p.Phe1395= (NM_001318829.2); c.3798T>C, p.Phe1266= (NM_001318831.2); c.4362T>C, p.Phe1454= (NM_001318832.2); c.4332T>C, p.Phe1444= (NM_001363528.2); c.4398T>C, p.Phe1466= (NM_001370404.1); and 26 more.
Identifiers: ClinVar variation 2162499 (VCV002162499.6), dbSNP rs763126313, ClinGen allele CA493043409.

ClinVar aggregate classification (germline): Benign/Likely benign. Review status: criteria provided, multiple submitters, no conflicts (2 of 4 stars). 3 submissions from 3 submitters: Benign (1); Likely benign (2). Last evaluated 2025-06-04.

Conditions:
Hereditary cancer-predisposing syndrome. Also called: Neoplastic Syndromes, Hereditary; Hereditary neoplastic syndrome; Hereditary Cancer Syndrome; Tumor predisposition. Identifiers: Orphanet 140162, MedGen C0027672, MeSH D009386, MONDO:0015356.
Tuberous sclerosis 2 (TSC2). Identifiers: Orphanet 805, MedGen C1860707, MONDO:0013199, OMIM 613254.

Allele frequency attached by ClinVar (database versions not stated): gnomAD exomes below 0.00001.
gnomAD v4.1: 2 of 1,613,138 alleles (0.00012%); highest among the groups gnomAD compares: East Asian, 0.0022%; no homozygotes.

Submissions (3):

Myriad Genetics, Inc.
Classification: Benign for Tuberous sclerosis 2. Last evaluated: 2025-06-04. Review status: criteria provided, single submitter. Criteria: Myriad Autosomal Dominant, Autosomal Recessive and X-Linked Classification Criteria (2023). Collection method: clinical testing. Allele origin: unknown.
Comment: This variant is considered benign. This variant is a silent/synonymous amino acid change and it is not expected to impact splicing.

Labcorp Genetics (formerly Invitae), Labcorp
Classification: Likely benign for Tuberous sclerosis 2. Last evaluated: 2023-10-17. Review status: criteria provided, single submitter. Criteria: Invitae Variant Classification Sherloc (09022015). Collection method: clinical testing. Allele origin: germline.

Ambry Genetics
Classification: Likely benign for Hereditary cancer-predisposing syndrome. Last evaluated: 2023-09-22. Review status: criteria provided, single submitter. Criteria: Ambry Variant Classification Scheme 2023. Collection method: clinical testing. Allele origin: germline.